The following is an entry in ClinVar:

ClinVar aggregate classification (germline): Uncertain significance. Review status: criteria provided, multiple submitters, no conflicts (2 of 4 stars). 2 submissions from 2 submitters: Uncertain significance (2). Last evaluated 2023-07-29.

Conditions:
Cardiovascular phenotype. Identifiers: MedGen CN230736.
Cardiomyopathy (CMYO). Also called: Cardiomyopathies. Identifiers: Orphanet 167848, MedGen C0878544, MONDO:0004994, HP:0001638. Inheritance: Various modes of inheritance.

Allele frequency attached by ClinVar (database versions not stated): gnomAD exomes below 0.00001 and 0.00001; TOPMed below 0.00001; gnomAD 0.00001.
gnomAD v4.1: 17 of 1,613,600 alleles (0.0011%); highest among the groups gnomAD compares: Non-Finnish European, 0.0014%; no homozygotes.

Submissions (2):

Ambry Genetics
Classification: Uncertain significance for Cardiovascular phenotype. Last evaluated: 2023-07-29. Review status: criteria provided, single submitter. Criteria: Ambry Variant Classification Scheme 2023. Collection method: clinical testing. Allele origin: germline.
Comment: The p.D548N variant (also known as c.1642G>A), located in coding exon 11 of the NEXN gene, results from a G to A substitution at nucleotide position 1642. The aspartic acid at codon 548 is replaced by asparagine, an amino acid with highly similar properties. This amino acid position is conserved. In addition, this alteration is predicted to be tolerated by in silico analysis. Since supporting evidence is limited at this time, the clinical significance of this alteration remains unclear.

CHEO Genetics Diagnostic Laboratory, Children's Hospital of Eastern Ontario
Classification: Uncertain significance for Cardiomyopathy. Last evaluated: 2015-09-16. Review status: criteria provided, single submitter. Criteria: ACMG Guidelines, 2015. Collection method: clinical testing. Allele origin: germline. Study: Canadian Open Genetics Repository.

NM_144573.4(NEXN):c.1642G>A (p.Asp548Asn)

Gene: NEXN (nexilin F-actin binding protein; plus strand). Cytogenetic location: 1p31.1.
Variant type: single nucleotide variant.
Coding change: c.1642G>A on transcript NM_144573.4 (MANE Select); coding-DNA position 1642, G replaced by A.
Protein change: p.Asp548Asn; replaces aspartic acid 548 with asparagine.
Molecular consequence: missense variant.
Genome position (GRCh38, 1-based): chr1:77,942,191, G>A. VCF-style: chr1-77942191-G-A. GRCh37 (hg19) VCF-style: chr1-78407876-G-A.
Other names: c.1450G>A, p.Asp484Asn (NM_001172309.2); short protein forms D548N, D484N.
Identifiers: ClinVar variation 626389 (VCV000626389.4), dbSNP rs1404772841, ClinGen allele CA340881606.
Genomic context (GRCh38, chr1:77,942,191, plus strand): 5'-GAACAAAGAAGAATTGAAGAACAAAAGTTACTACGCATGCAGTTTGAACAAAGGGAAATT[G>A]ATGCAGCACTACAAAAGGTACCAGGCTTATGTATCCTTTATTTTCCAAAGATGCCCTCTT-3'
Protein context (NP_653174.3, residues 538-558): LRMQFEQREI[Asp548Asn]AALQKKREEE